The following is an entry in ClinVar:

ClinVar aggregate classification (germline): Benign. Review status: criteria provided, multiple submitters, no conflicts (2 of 4 stars). 4 submissions from 4 submitters: Benign (4). Last evaluated 2026-02-03.

Conditions:
Knobloch syndrome (KNO). Also called: RETINAL DETACHMENT AND OCCIPITAL ENCEPHALOCELE; Myopia retinal detachment encephalocele. Identifiers: Orphanet 1571, MedGen C1849409, MONDO:0800166.

Allele frequency attached by ClinVar (database versions not stated): gnomAD exomes 0.00764; ExAC 0.01031; gnomAD 0.02961 and 0.03174; ESP Exome Variant Server 0.03058; 1000 Genomes Project 0.03095; 1000 Genomes Project 30x 0.03295; TOPMed 0.03313.
gnomAD v4.1: 9,080 of 1,603,014 alleles (0.57%); highest among the groups gnomAD compares: African/African-American, 10%; 425 homozygotes.

Submissions (4):

Labcorp Genetics (formerly Invitae), Labcorp
Classification: Benign. Last evaluated: 2026-02-03. Review status: criteria provided, single submitter. Criteria: Invitae Variant Classification Sherloc (09022015). Collection method: clinical testing. Allele origin: germline.

GeneDx
Classification: Benign. Last evaluated: 2021-05-05. Review status: criteria provided, single submitter. Criteria: GeneDx Variant Classification Process June 2021. Collection method: clinical testing. Allele origin: germline. Affected: yes.

Illumina Laboratory Services, Illumina
Classification: Benign for Knobloch syndrome 1. Last evaluated: 2018-01-13. Review status: criteria provided, single submitter. Criteria: ICSL Variant Classification Criteria 13 December 2019. Collection method: clinical testing. Allele origin: germline.
Comment: This variant was observed in the ICSL laboratory as part of a predisposition screen in an ostensibly healthy population. It had not been previously curated by ICSL or reported in the Human Gene Mutation Database (HGMD: prior to June 1st, 2018), and was therefore a candidate for classification through an automated scoring system. Utilizing variant allele frequency, disease prevalence and penetrance estimates, and inheritance mode, an automated score was calculated to assess if this variant is too frequent to cause the disease. Based on the score and internal cut-off values, a variant classified as benign is not then subjected to further curation. The score for this variant resulted in a classification of benign for this disease.

Breakthrough Genomics
Classification: Benign. Review status: criteria provided, single submitter. Criteria: ACMG Guidelines, 2015. Collection method: not provided. Allele origin: germline. Inheritance: Autosomal recessive inheritance. Affected: yes.

NM_001379500.1(COL18A1):c.603C>T (p.Ala201=)

Gene: COL18A1 (collagen type XVIII alpha 1 chain; plus strand). Cytogenetic location: 21q22.3.
Variant type: single nucleotide variant.
Coding change: c.603C>T on transcript NM_001379500.1 (MANE Select); coding-DNA position 603, C replaced by T.
Protein change: p.Ala201=; no amino-acid change (alanine 201 retained).
Molecular consequence: synonymous variant.
Genome position (GRCh38, 1-based): chr21:45,468,738, C>T. VCF-style: chr21-45468738-C-T. GRCh37 (hg19) VCF-style: chr21-46888652-C-T.
Other names: NM_130445.2:c.603C>T; c.1143C>T, p.Ala381= (NM_030582.4); c.1848C>T, p.Ala616= (NM_130444.3).
Identifiers: ClinVar variation 340195 (VCV000340195.15), dbSNP rs17004776, ClinGen allele CA10065793.